The following is an entry in ClinVar:

NM_001166108.2(PALLD):c.2960T>A (p.Ile987Asn)

Genes: CBR4 (carbonyl reductase 4; minus strand), PALLD (palladin, cytoskeletal associated protein; plus strand). Cytogenetic location: 4q32.3.
Variant type: single nucleotide variant.
Coding change: c.2960T>A on transcript NM_001166108.2 (MANE Select); coding-DNA position 2960, T replaced by A.
Protein change: p.Ile987Asn; replaces isoleucine 987 with asparagine.
Molecular consequence: missense variant.
Genome position (GRCh38, 1-based): chr4:168,921,643, T>A. VCF-style: chr4-168921643-T-A. GRCh37 (hg19) VCF-style: chr4-169842794-T-A.
Other names: c.1763T>A, p.Ile588Asn (NM_001166109.2); c.1448T>A, p.Ile483Asn (NM_001166110.2); c.788T>A, p.Ile263Asn (NM_001367567.1, NM_001367569.1); c.839T>A, p.Ile280Asn (NM_001367568.1, NM_001367570.1); c.2909T>A, p.Ile970Asn (NM_016081.4); short protein forms I588N, I263N, I483N, I280N, I970N, I987N.
Identifiers: ClinVar variation 1797547 (VCV001797547.2), dbSNP rs2534194241, ClinGen allele CA358709173.

ClinVar aggregate classification (germline): Uncertain significance (1 of 4 stars; one submission).

Submission:

Ambry Genetics
Classification: Uncertain significance. Last evaluated: 2021-12-04. Review status: criteria provided, single submitter. Criteria: Ambry Variant Classification Scheme 2023. Collection method: clinical testing. Allele origin: germline.
Comment: The p.I970N variant (also known as c.2909T>A), located in coding exon 16 of the PALLD gene, results from a T to A substitution at nucleotide position 2909. The isoleucine at codon 970 is replaced by asparagine, an amino acid with dissimilar properties. This amino acid position is conserved. In addition, the in silico prediction for this alteration is inconclusive. Since supporting evidence is limited at this time, the clinical significance of this alteration remains unclear.